The following is an entry in ClinVar:

NM_020821.3(VPS13C):c.3584A>C (p.Lys1195Thr)

Gene: VPS13C (vacuolar protein sorting 13 homolog C; minus strand). Cytogenetic location: 15q22.2.
Variant type: single nucleotide variant.
Coding change: c.3584A>C on transcript NM_020821.3 (MANE Select); coding-DNA position 3584, A replaced by C.
Protein change: p.Lys1195Thr; replaces lysine 1195 with threonine.
Molecular consequence: missense variant.
Genome position (GRCh38, 1-based): chr15:61,962,390, T>G on the plus strand (A>C on the coding strand, the complement: VPS13C is on the minus strand). VCF-style: chr15-61962390-T-G. GRCh37 (hg19) VCF-style: chr15-62254589-T-G.
Other names: p.Lys1195Thr; c.3584A>C, p.Lys1195Thr (NM_001018088.3); c.3455A>C, p.Lys1152Thr (NM_017684.5, NM_018080.4); short protein forms K1195T, K1152T.
Identifiers: ClinVar variation 770247 (VCV000770247.14), dbSNP rs147306617, ClinGen allele CA7596339.

ClinVar aggregate classification (germline): Benign. Review status: criteria provided, multiple submitters, no conflicts (2 of 4 stars). 4 submissions from 4 submitters: Benign (3). 1 of the submissions does not count toward it. Last evaluated 2026-01-15.

Conditions:
VPS13C-related disorder. Also called: VPS13C-related condition.

Allele frequency attached by ClinVar (database versions not stated): gnomAD exomes 0.00087 and 0.00379; gnomAD 0.00233 and 0.00246; TOPMed 0.00330; 1000 Genomes Project 30x 0.00656; ESP Exome Variant Server 0.00031; ExAC 0.00267; 1000 Genomes Project 0.00639.
gnomAD v4.1: 1,602 of 1,587,682 alleles (0.1%); highest among the groups gnomAD compares: Admixed American, 2.6%; 27 homozygotes.

Submissions (4):

Labcorp Genetics (formerly Invitae), Labcorp
Classification: Benign. Last evaluated: 2026-01-15. Review status: criteria provided, single submitter. Criteria: Invitae Variant Classification Sherloc (09022015). Collection method: clinical testing. Allele origin: germline.

Mayo Clinic Laboratories, Mayo Clinic
Classification: Benign. Last evaluated: 2024-11-11. Review status: criteria provided, single submitter. Criteria: ACMG Guidelines, 2015. Collection method: clinical testing. Allele origin: germline. Observed: 1 variant allele.
Comment: BS1, BS2, BP4

Breakthrough Genomics
Classification: Benign. Review status: criteria provided, single submitter. Criteria: ACMG Guidelines, 2015. Collection method: not provided. Allele origin: germline. Inheritance: Autosomal recessive inheritance. Affected: yes.

PreventionGenetics, part of Exact Sciences
Classification: Benign for VPS13C-related condition. Last evaluated: 2024-01-05. Review status: no assertion criteria provided. Collection method: clinical testing. Allele origin: germline. Not counted in ClinVar's aggregate classification.
Comment: This variant is classified as benign based on ACMG/AMP sequence variant interpretation guidelines (Richards et al. 2015 PMID: 25741868, with internal and published modifications).